The following is an entry in ClinVar:

ClinVar aggregate classification (germline): Uncertain significance (1 of 4 stars; one submission).

Conditions:
Adams-Oliver syndrome 5 (AOS5). Identifiers: Orphanet 974, MedGen C4014970, MONDO:0014459, OMIM 616028.

Submission:

Labcorp Genetics (formerly Invitae), Labcorp
Classification: Uncertain significance for Adams-Oliver syndrome 5. Last evaluated: 2024-12-15. Review status: criteria provided, single submitter. Criteria: Invitae Variant Classification Sherloc (09022015). Collection method: clinical testing. Allele origin: germline.
Comment: This sequence change replaces alanine, which is neutral and non-polar, with threonine, which is neutral and polar, at codon 1562 of the NOTCH1 protein (p.Ala1562Thr). This variant is not present in population databases (gnomAD no frequency). This variant has not been reported in the literature in individuals affected with NOTCH1-related conditions. Invitae Evidence Modeling of protein sequence and biophysical properties (such as structural, functional, and spatial information, amino acid conservation, physicochemical variation, residue mobility, and thermodynamic stability) indicates that this missense variant is not expected to disrupt NOTCH1 protein function with a negative predictive value of 80%. In summary, the available evidence is currently insufficient to determine the role of this variant in disease. Therefore, it has been classified as a Variant of Uncertain Significance.

NM_017617.5(NOTCH1):c.4684G>A (p.Ala1562Thr)

Gene: NOTCH1 (notch receptor 1; minus strand). Cytogenetic location: 9q34.3.
Variant type: single nucleotide variant.
Coding change: c.4684G>A on transcript NM_017617.5 (MANE Select); coding-DNA position 4684, G replaced by A.
Protein change: p.Ala1562Thr; replaces alanine 1562 with threonine.
Molecular consequence: missense variant.
Genome position (GRCh38, 1-based): chr9:136,505,007, C>T on the plus strand (G>A on the coding strand, the complement: NOTCH1 is on the minus strand). VCF-style: chr9-136505007-C-T. GRCh37 (hg19) VCF-style: chr9-139399459-C-T.
Other names: short protein forms A1562T.
Identifiers: ClinVar variation 3708077 (VCV003708077.2).